The following is an entry in ClinVar:

NM_003482.4(KMT2D):c.14500G>A (p.Glu4834Lys)

Gene: KMT2D (lysine methyltransferase 2D; minus strand). Cytogenetic location: 12q13.12.
Variant type: single nucleotide variant.
Coding change: c.14500G>A on transcript NM_003482.4 (MANE Select); coding-DNA position 14500, G replaced by A.
Protein change: p.Glu4834Lys; replaces glutamic acid 4834 with lysine.
Molecular consequence: missense variant.
Genome position (GRCh38, 1-based): chr12:49,028,024, C>T on the plus strand (G>A on the coding strand, the complement: KMT2D is on the minus strand). VCF-style: chr12-49028024-C-T. GRCh37 (hg19) VCF-style: chr12-49421807-C-T.
Other names: short protein forms E4834K.
Identifiers: ClinVar variation 2788465 (VCV002788465.4), dbSNP rs2120378028, ClinGen allele CA384694913.
Genomic context (GRCh38, chr12:49,028,024, plus strand): 5'-GAATCACTCCCCTCAAGTCCCAAAGGGCTTCCCTGCCACACTCACCAGGACCCTCAGCTT[C>T]CCCCTTCTTTGGCTCAGTGCCTGCCCGGGCGGGGCTCTCTGGGAACAGCACCTCATAGGA-3'
Protein context (NP_003473.3, residues 4824-4844): ARAGTEPKKG[Glu4834Lys]AEGPGGKEKG

ClinVar aggregate classification (germline): Uncertain significance. Review status: criteria provided, multiple submitters, no conflicts (2 of 4 stars). 2 submissions from 2 submitters: Uncertain significance (2). Last evaluated 2024-04-01.

Conditions:
Choanal atresia-athelia-hypothyroidism-delayed puberty-short stature syndrome (BCAHH). Also called: BRANCHIAL ARCH ABNORMALITIES, CHOANAL ATRESIA, ATHELIA, HEARING LOSS, AND HYPOTHYROIDISM SYNDROME. Identifiers: Orphanet 589856, MedGen C5680310, MONDO:0035651, OMIM 620186.
Kabuki syndrome 1 (KABUK1). Also called: KMT2D-Related Kabuki Syndrome. Identifiers: Orphanet 2322, MedGen CN030661, MONDO:0007843, OMIM 147920.
Kabuki syndrome. Also called: Kabuki make-up syndrome; NIIKAWA-KUROKI SYNDROME. Identifiers: Orphanet 2322, MedGen C0796004, MONDO:0016512.

Allele frequency attached by ClinVar (database versions not stated): gnomAD exomes below 0.00001.
gnomAD v4.1: 4 of 1,613,426 alleles (0.00025%); highest among the groups gnomAD compares: Non-Finnish European, 0.00034%; no homozygotes.

Submissions (2):

Fulgent Genetics
Classification: Uncertain significance for Kabuki syndrome 1; Choanal atresia-athelia-hypothyroidism-delayed puberty-short stature syndrome. Last evaluated: 2024-04-01. Review status: criteria provided, single submitter. Criteria: ACMG Guidelines, 2015. Collection method: clinical testing. Allele origin: germline.

Labcorp Genetics (formerly Invitae), Labcorp
Classification: Uncertain significance for Kabuki syndrome. Last evaluated: 2023-02-04. Review status: criteria provided, single submitter. Criteria: Invitae Variant Classification Sherloc (09022015). Collection method: clinical testing. Allele origin: germline.
Comment: This sequence change replaces glutamic acid, which is acidic and polar, with lysine, which is basic and polar, at codon 4834 of the KMT2D protein (p.Glu4834Lys). This variant is not present in population databases (gnomAD no frequency). This variant has not been reported in the literature in individuals affected with KMT2D-related conditions. Advanced modeling of protein sequence and biophysical properties (such as structural, functional, and spatial information, amino acid conservation, physicochemical variation, residue mobility, and thermodynamic stability) performed at Invitae indicates that this missense variant is not expected to disrupt KMT2D protein function. In summary, the available evidence is currently insufficient to determine the role of this variant in disease. Therefore, it has been classified as a Variant of Uncertain Significance.